The following is an entry in ClinVar:

ClinVar aggregate classification (germline): Likely pathogenic (1 of 4 stars; one submission).

Conditions:
Autosomal recessive Alport syndrome (ATS2). Also called: ALPORT SYNDROME 2, AUTOSOMAL RECESSIVE; Alport syndrome type 2; COL4A4 Alport Syndrome and Thin Basement Membrane Nephropathy; COL4A3-Related Nephropathy. Identifiers: Orphanet 63, Orphanet 88919, MedGen C4746745, MONDO:0008762, OMIM 203780.

Submission:

3billion
Classification: Likely pathogenic for Autosomal recessive Alport syndrome. Last evaluated: 2025-11-20. Review status: criteria provided, single submitter. Criteria: ACMG Guidelines, 2015. Collection method: clinical testing. Allele origin: germline. Affected: yes.
Comment: The variant is not observed in the gnomAD v4.1.0 dataset. Predicted Consequence/Location: Canonical splice site: predicted to alter splicing and result in a loss or disruption of normal protein function. Multiple pathogenic loss-of-function variants are reported downstream of the variant. In silico tools predict the variant to alter splicing and produce an abnormal transcript [SpliceAI: 0.95 (spliceogenicity >=0.2, non-spliceogenicity <0.1)]. Therefore, this variant is classified as Likely pathogenic according to the recommendation of ACMG/AMP guideline.

NM_000092.5(COL4A4):c.1029+1G>A

Gene: COL4A4 (collagen type IV alpha 4 chain; minus strand). Cytogenetic location: 2q36.3.
Variant type: single nucleotide variant.
Coding change: c.1029+1G>A on transcript NM_000092.5 (MANE Select); the canonical splice donor site of the intron after coding-DNA position 1029, G replaced by A.
Molecular consequence: splice donor variant.
Genome position (GRCh38, 1-based): chr2:227,101,503, C>T on the plus strand (G>A on the coding strand, the complement: COL4A4 is on the minus strand). VCF-style: chr2-227101503-C-T. GRCh37 (hg19) VCF-style: chr2-227966219-C-T.
Identifiers: ClinVar variation 4856107 (VCV004856107.1).
Genomic context (GRCh38, chr2:227,101,503, plus strand): 5'-TTAGATAATATTAAGGATATAAACTTTTATCAGGATATATTAAAATAGGCTCACTTTTTA[C>T]CTTTGGGCCAATTAATCCAAATAGCCCAGGATCTCCAACCAGTCCTAGTTCTCCCTACAA-3'